The following is an entry in ClinVar:

NM_001852.4(COL9A2):c.435T>G (p.Asp145Glu)

Gene: COL9A2 (collagen type IX alpha 2 chain; minus strand). Cytogenetic location: 1p34.2.
Variant type: single nucleotide variant.
Coding change: c.435T>G on transcript NM_001852.4 (MANE Select); coding-DNA position 435, T replaced by G.
Protein change: p.Asp145Glu; replaces aspartic acid 145 with glutamic acid.
Molecular consequence: missense variant.
Genome position (GRCh38, 1-based): chr1:40,311,698, A>C on the plus strand (T>G on the coding strand, the complement: COL9A2 is on the minus strand). VCF-style: chr1-40311698-A-C. GRCh37 (hg19) VCF-style: chr1-40777370-A-C.
Other names: short protein forms D145E.
Identifiers: ClinVar variation 3633543 (VCV003633543.3).

ClinVar aggregate classification (germline): Uncertain significance. Review status: criteria provided, multiple submitters, no conflicts (2 of 4 stars). 2 submissions from 2 submitters: Uncertain significance (2). Last evaluated 2026-01-19.

Submissions (2):

Women's Health and Genetics/Laboratory Corporation of America, LabCorp
Classification: Uncertain significance. Last evaluated: 2026-01-19. Review status: criteria provided, single submitter. Criteria: LabCorp Variant Classification Summary - May 2015. Collection method: clinical testing. Allele origin: germline.
Comment: Variant summary: COL9A2 c.435T>G (p.Asp145Glu) results in a conservative amino acid change in the encoded protein sequence. Algorithms developed to predict the effect of missense changes on protein structure and function all suggest that this variant is likely to be tolerated. The variant was absent in 250076 control chromosomes. The available data on variant occurrences in the general population are insufficient to allow any conclusion about variant significance. To our knowledge, no occurrence of c.435T>G in individuals affected with COL9A2-related conditions and no experimental evidence demonstrating its impact on protein function have been reported. ClinVar contains an entry for this variant (Variation ID: 3633543). Based on the evidence outlined above, the variant was classified as uncertain significance.

Labcorp Genetics (formerly Invitae), Labcorp
Classification: Uncertain significance. Last evaluated: 2024-09-09. Review status: criteria provided, single submitter. Criteria: Invitae Variant Classification Sherloc (09022015). Collection method: clinical testing. Allele origin: germline.
Comment: This sequence change replaces aspartic acid, which is acidic and polar, with glutamic acid, which is acidic and polar, at codon 145 of the COL9A2 protein (p.Asp145Glu). This variant is not present in population databases (gnomAD no frequency). This variant has not been reported in the literature in individuals affected with COL9A2-related conditions. Invitae Evidence Modeling of protein sequence and biophysical properties (such as structural, functional, and spatial information, amino acid conservation, physicochemical variation, residue mobility, and thermodynamic stability) indicates that this missense variant is not expected to disrupt COL9A2 protein function with a negative predictive value of 95%. In summary, the available evidence is currently insufficient to determine the role of this variant in disease. Therefore, it has been classified as a Variant of Uncertain Significance.